The following is an entry in ClinVar:

ClinVar aggregate classification (germline): Uncertain significance. Review status: criteria provided, multiple submitters, no conflicts (2 of 4 stars). 4 submissions from 4 submitters: Uncertain significance (4). Last evaluated 2024-11-25.

Conditions:
Inborn genetic diseases. Identifiers: MedGen C0950123, MeSH D030342.

Allele frequency attached by ClinVar (database versions not stated): gnomAD exomes 0.00004; TOPMed 0.00005; gnomAD 0.00006 and 0.00007; ExAC 0.00007; ESP Exome Variant Server 0.00023.
gnomAD v4.1: 95 of 1,613,828 alleles (0.0059%); highest among the groups gnomAD compares: Middle Eastern, 0.099%; no homozygotes.

Submissions (4):

Blueprint Genetics
Classification: Uncertain significance. Last evaluated: 2024-11-25. Review status: criteria provided, single submitter. Criteria: ACMG Guidelines, 2015. Collection method: clinical testing. Allele origin: germline.

Ambry Genetics
Classification: Uncertain significance for Inborn genetic diseases. Last evaluated: 2024-06-07. Review status: criteria provided, single submitter. Criteria: Ambry Variant Classification Scheme 2023. Collection method: clinical testing. Allele origin: germline.

Labcorp Genetics (formerly Invitae), Labcorp
Classification: Uncertain significance. Last evaluated: 2022-03-31. Review status: criteria provided, single submitter. Criteria: Invitae Variant Classification Sherloc (09022015). Collection method: clinical testing. Allele origin: germline.
Comment: In summary, the available evidence is currently insufficient to determine the role of this variant in disease. Therefore, it has been classified as a Variant of Uncertain Significance. Algorithms developed to predict the effect of missense changes on protein structure and function (SIFT, PolyPhen-2, Align-GVGD) all suggest that this variant is likely to be tolerated. ClinVar contains an entry for this variant (Variation ID: 1312044). This variant has not been reported in the literature in individuals affected with MLPH-related conditions. This variant is present in population databases (rs199596806, gnomAD 0.008%). This sequence change replaces aspartic acid, which is acidic and polar, with asparagine, which is neutral and polar, at codon 194 of the MLPH protein (p.Asp194Asn).

GeneDx
Classification: Uncertain significance. Last evaluated: 2019-09-11. Review status: criteria provided, single submitter. Criteria: GeneDx Variant Classification Process June 2021. Collection method: clinical testing. Allele origin: germline. Affected: yes.
Comment: Has not been previously published as pathogenic or benign to our knowledge; In silico analysis, which includes protein predictors and evolutionary conservation, supports that this variant does not alter protein structure/function

NM_024101.7(MLPH):c.580G>A (p.Asp194Asn)

Gene: MLPH (melanophilin; plus strand). Cytogenetic location: 2q37.3.
Variant type: single nucleotide variant.
Coding change: c.580G>A on transcript NM_024101.7 (MANE Select); coding-DNA position 580, G replaced by A.
Protein change: p.Asp194Asn; replaces aspartic acid 194 with asparagine.
Molecular consequence: missense variant. On other transcripts: non-coding transcript variant (1), intron variant (1).
Genome position (GRCh38, 1-based): chr2:237,519,934, G>A. VCF-style: chr2-237519934-G-A. GRCh37 (hg19) VCF-style: chr2-238428577-G-A.
Other names: c.580G>A (NM_024101.5); c.580G>A, p.Asp194Asn (NM_001042467.3, NM_001281474.2); c.555+1286G>A (NM_001281473.2); short protein forms D194N.
Identifiers: ClinVar variation 1312044 (VCV001312044.8), dbSNP rs199596806, ClinGen allele CA2190283.
Genomic context (GRCh38, chr2:237,519,934, plus strand): 5'-CTGACTTGAGTCTTGCCCTGTCTTGTGCCTGCTAAGAAAAAGCGCCTCCTCTCCGTCCAC[G>A]ACTTCGACTTCGAGGGAGACTCAGATGACTCCACTCAGCCTCAAGGTCACTCCCTGCACC-3'
Protein context (NP_077006.1, residues 184-204): SKKKRLLSVH[Asp194Asn]FDFEGDSDDS